The following is an entry in ClinVar:

NM_001142800.2(EYS):c.2006G>T (p.Cys669Phe)

Gene: EYS (EGF-like photoreceptor maintenance factor; minus strand). Cytogenetic location: 6q12.
Variant type: single nucleotide variant.
Coding change: c.2006G>T on transcript NM_001142800.2 (MANE Select); coding-DNA position 2006, G replaced by T.
Protein change: p.Cys669Phe; replaces cysteine 669 with phenylalanine.
Molecular consequence: missense variant.
Genome position (GRCh38, 1-based): chr6:65,295,880, C>A on the plus strand (G>T on the coding strand, the complement: EYS is on the minus strand). VCF-style: chr6-65295880-C-A. GRCh37 (hg19) VCF-style: chr6-66005773-C-A.
Other names: c.2006G>T (NM_001142800.1); c.2006G>T, p.Cys669Phe (NM_001292009.2); short protein forms C669F.
Identifiers: ClinVar variation 2144774 (VCV002144774.4), dbSNP rs780193024, ClinGen allele CA3877353.

ClinVar aggregate classification (germline): Uncertain significance. Review status: criteria provided, multiple submitters, no conflicts (2 of 4 stars). 4 submissions from 4 submitters: Uncertain significance (4). Last evaluated 2025-06-25.

Conditions:
EYS-related disorder. Also called: EYS-related condition.
Inborn genetic diseases. Identifiers: MedGen C0950123, MeSH D030342.

Allele frequency attached by ClinVar (database versions not stated): ExAC 0.00005; gnomAD 0.00005; TOPMed 0.00008; gnomAD exomes 0.00017.
gnomAD v4.1: 246 of 1,547,184 alleles (0.016%); highest among the groups gnomAD compares: Non-Finnish European, 0.02%; no homozygotes.

Submissions (4):

PreventionGenetics, part of Exact Sciences
Classification: Uncertain significance for EYS-related condition. Last evaluated: 2025-06-25. Review status: criteria provided, single submitter. Criteria: ACMG Guidelines, 2015. Collection method: clinical testing. Allele origin: germline.
Comment: The EYS c.2006G>T variant is predicted to result in the amino acid substitution p.Cys669Phe. To our knowledge, this variant has not been reported in the literature. This variant is present in 0.0081% of alleles in individuals of European (Non-Finnish) descent in gnomAD. At this time, the clinical significance of this variant is uncertain due to the absence of conclusive functional and genetic evidence.

Ambry Genetics
Classification: Uncertain significance for Inborn genetic diseases. Last evaluated: 2025-02-07. Review status: criteria provided, single submitter. Criteria: Ambry Variant Classification Scheme 2023. Collection method: clinical testing. Allele origin: germline.

Blueprint Genetics
Classification: Uncertain significance. Last evaluated: 2023-06-19. Review status: criteria provided, single submitter. Criteria: ACMG Guidelines, 2015. Collection method: clinical testing. Allele origin: germline.

Labcorp Genetics (formerly Invitae), Labcorp
Classification: Uncertain significance. Last evaluated: 2022-07-13. Review status: criteria provided, single submitter. Criteria: Invitae Variant Classification Sherloc (09022015). Collection method: clinical testing. Allele origin: germline.
Comment: This sequence change replaces cysteine, which is neutral and slightly polar, with phenylalanine, which is neutral and non-polar, at codon 669 of the EYS protein (p.Cys669Phe). This variant is present in population databases (rs780193024, gnomAD 0.008%). This variant has not been reported in the literature in individuals affected with EYS-related conditions. Algorithms developed to predict the effect of missense changes on protein structure and function (SIFT, PolyPhen-2, Align-GVGD) all suggest that this variant is likely to be disruptive. In summary, the available evidence is currently insufficient to determine the role of this variant in disease. Therefore, it has been classified as a Variant of Uncertain Significance.